The following is an entry in ClinVar:

NM_003907.3(EIF2B5):c.965C>T (p.Thr322Ile)

Gene: EIF2B5 (eukaryotic translation initiation factor 2B subunit epsilon; plus strand). Cytogenetic location: 3q27.1.
Variant type: single nucleotide variant.
Coding change: c.965C>T on transcript NM_003907.3 (MANE Select); coding-DNA position 965, C replaced by T.
Protein change: p.Thr322Ile; replaces threonine 322 with isoleucine.
Molecular consequence: missense variant.
Genome position (GRCh38, 1-based): chr3:184,140,539, C>T. VCF-style: chr3-184140539-C-T. GRCh37 (hg19) VCF-style: chr3-183858327-C-T.
Other names: short protein forms T322I.
Identifiers: ClinVar variation 1303887 (VCV001303887.2), dbSNP rs1191243277, ClinGen allele CA355385380.

ClinVar aggregate classification (germline): Uncertain significance (1 of 4 stars; one submission).

Allele frequency attached by ClinVar (database versions not stated): TOPMed below 0.00001; gnomAD 0.00001.

Submission:

GeneDx
Classification: Uncertain significance. Last evaluated: 2020-01-28. Review status: criteria provided, single submitter. Criteria: GeneDx Variant Classification Process June 2021. Collection method: clinical testing. Allele origin: germline. Affected: yes.
Comment: Not observed in large population cohorts (Lek et al., 2016); Missense variants in nearby residues reported in the Human Gene Mutation Database (Stenson et al., 2014); In silico analysis, which includes protein predictors and evolutionary conservation, supports that this variant does not alter protein structure/function; Has not been previously published as pathogenic or benign to our knowledge